The following is an entry in ClinVar:

NM_002617.4(PEX10):c.919T>C (p.Cys307Arg)

Gene: PEX10 (peroxisomal biogenesis factor 10; minus strand). Cytogenetic location: 1p36.32.
Variant type: single nucleotide variant.
Coding change: c.919T>C on transcript NM_002617.4 (MANE Select); coding-DNA position 919, T replaced by C.
Protein change: p.Cys307Arg; replaces cysteine 307 with arginine.
Molecular consequence: missense variant. On other transcripts: non-coding transcript variant (1).
Genome position (GRCh38, 1-based): chr1:2,405,828, A>G on the plus strand (T>C on the coding strand, the complement: PEX10 is on the minus strand). VCF-style: chr1-2405828-A-G. GRCh37 (hg19) VCF-style: chr1-2337267-A-G.
Other names: c.976T>C, p.Cys326Arg (NM_001374425.1); c.544T>C, p.Cys182Arg (NM_001374426.1); c.487T>C, p.Cys163Arg (NM_001374427.1); c.979T>C, p.Cys327Arg (NM_153818.2); short protein forms C163R, C307R, C326R, C182R, C327R.
Identifiers: ClinVar variation 1515381 (VCV001515381.5), dbSNP rs1418762869, ClinGen allele CA337983043.

ClinVar aggregate classification (germline): Uncertain significance. Review status: criteria provided, multiple submitters, no conflicts (2 of 4 stars). 2 submissions from 2 submitters: Uncertain significance (2). Last evaluated 2026-08-19.

Conditions:
Peroxisome biogenesis disorder, complementation group 7 (CG7). Also called: Peroxisome biogenesis disorder, complementation group B. Identifiers: MedGen C1864399.
Peroxisome biogenesis disorder. Identifiers: Orphanet 79189, MedGen C1832200, MONDO:0019234. Disease mechanism: loss of function.

Allele frequency attached by ClinVar (database versions not stated): gnomAD exomes below 0.00001; TOPMed below 0.00001; gnomAD 0.00001.
gnomAD v4.1: 8 of 1,594,682 alleles (0.0005%); highest among the groups gnomAD compares: African/African-American, 0.0027%; no homozygotes.

Submissions (2):

Myriad Genetics, Inc.
Classification: Uncertain significance for Peroxisome biogenesis disorder. Last evaluated: 2026-08-19. Review status: criteria provided, single submitter. Criteria: Myriad Autosomal Dominant, Autosomal Recessive and X-Linked Classification Criteria (2023). Collection method: clinical testing. Allele origin: unknown.
Comment: NM_153818.1(PEX10):c.979T>C(C327R) is a missense variant classified as a variant of uncertain significance in the context of peroxisome biogenesis disorder type 6. C327R has been observed in a case with relevant disease (PMID: 21031596). Relevant functional assessments of this variant are not available in the literature. C327R has been observed in referenced population frequency databases. In summary, there is insufficient evidence to classify NM_153818.1(PEX10):c.979T>C(C327R) as pathogenic or benign. Please note: this variant was assessed in the context of healthy population screening.

Labcorp Genetics (formerly Invitae), Labcorp
Classification: Uncertain significance for Peroxisome biogenesis disorder, complementation group 7. Last evaluated: 2022-08-09. Review status: criteria provided, single submitter. Criteria: Invitae Variant Classification Sherloc (09022015). Collection method: clinical testing. Allele origin: germline.
Comment: Algorithms developed to predict the effect of missense changes on protein structure and function (SIFT, PolyPhen-2, Align-GVGD) all suggest that this variant is likely to be disruptive. In summary, the available evidence is currently insufficient to determine the role of this variant in disease. Therefore, it has been classified as a Variant of Uncertain Significance. This variant disrupts the p.Cys327 amino acid residue in PEX10. Other variant(s) that disrupt this residue have been determined to be pathogenic (PMID: 28320181). This suggests that this residue is clinically significant, and that variants that disrupt this residue are likely to be disease-causing. ClinVar contains an entry for this variant (Variation ID: 1515381). This missense change has been observed in individual(s) with PEX10-related conditions (PMID: 21031596). The frequency data for this variant in the population databases is considered unreliable, as metrics indicate poor data quality at this position in the gnomAD database. This sequence change replaces cysteine, which is neutral and slightly polar, with arginine, which is basic and polar, at codon 327 of the PEX10 protein (p.Cys327Arg).

Literature cited by the submitters: PubMed 21031596 (cited by Myriad Genetics, Inc. and Labcorp Genetics (formerly Invitae), Labcorp); PubMed 28320181 (cited by Labcorp Genetics (formerly Invitae), Labcorp).